The following is an entry in ClinVar:

ClinVar aggregate classification (germline): Uncertain significance. Review status: criteria provided, multiple submitters, no conflicts (2 of 4 stars). 2 submissions from 2 submitters: Uncertain significance (2). Last evaluated 2023-01-10.

Conditions:
Hermansky-Pudlak syndrome 6 (HPS6). Identifiers: Orphanet 231512, Orphanet 79430, MedGen C3888007, MONDO:0013558, OMIM 614075.
Inborn genetic diseases. Identifiers: MedGen C0950123, MeSH D030342.

Allele frequency attached by ClinVar (database versions not stated): TOPMed below 0.00001.
gnomAD v4.1: 7 of 1,614,178 alleles (0.00043%); highest among the groups gnomAD compares: Non-Finnish European, 0.00042%; no homozygotes.

Submissions (2):

Ambry Genetics
Classification: Uncertain significance for Inborn genetic diseases. Last evaluated: 2023-01-10. Review status: criteria provided, single submitter. Criteria: Ambry Variant Classification Scheme 2023. Collection method: clinical testing. Allele origin: germline.

Baylor Genetics
Classification: Uncertain significance for Hermansky-Pudlak syndrome 6. Last evaluated: 2020-06-03. Review status: criteria provided, single submitter. Criteria: ACMG Guidelines, 2015. Collection method: clinical testing. Allele origin: unknown. Affected: yes.
Comment: This variant was determined to be of uncertain significance according to ACMG Guidelines, 2015 [PMID:25741868].

NM_024747.6(HPS6):c.1360A>G (p.Met454Val)

Gene: HPS6 (HPS6 biogenesis of lysosomal organelles complex 2 subunit 3; plus strand). Cytogenetic location: 10q24.32.
Variant type: single nucleotide variant.
Coding change: c.1360A>G on transcript NM_024747.6 (MANE Select); coding-DNA position 1360, A replaced by G.
Protein change: p.Met454Val; replaces methionine 454 with valine.
Molecular consequence: missense variant.
Genome position (GRCh38, 1-based): chr10:102,066,834, A>G. VCF-style: chr10-102066834-A-G. GRCh37 (hg19) VCF-style: chr10-103826591-A-G.
Other names: short protein forms M454V.
Identifiers: ClinVar variation 1029921 (VCV001029921.3), dbSNP rs769401035, ClinGen allele CA377866696.